The following is an entry in ClinVar:

NM_032776.3(JMJD1C):c.4045G>A (p.Gly1349Arg)

Gene: JMJD1C (jumonji domain containing 1C; minus strand). Cytogenetic location: 10q21.3.
Variant type: single nucleotide variant.
Coding change: c.4045G>A on transcript NM_032776.3 (MANE Select); coding-DNA position 4045, G replaced by A.
Protein change: p.Gly1349Arg; replaces glycine 1349 with arginine.
Molecular consequence: missense variant. On other transcripts: non-coding transcript variant (1).
Genome position (GRCh38, 1-based): chr10:63,207,624, C>T on the plus strand (G>A on the coding strand, the complement: JMJD1C is on the minus strand). VCF-style: chr10-63207624-C-T. GRCh37 (hg19) VCF-style: chr10-64967384-C-T.
Other names: c.4045G>A (NM_032776.1); c.3499G>A, p.Gly1167Arg (NM_001282948.2, NM_001318154.2); c.3181G>A, p.Gly1061Arg (NM_001318153.2); c.3931G>A, p.Gly1311Arg (NM_001322252.2); c.3388G>A, p.Gly1130Arg (NM_001322254.2, NM_001322258.2); short protein forms G1167R, G1061R, G1130R, G1311R, G1349R.
Identifiers: ClinVar variation 659420 (VCV000659420.10), dbSNP rs777175851, ClinGen allele CA5518336.

ClinVar aggregate classification (germline): Uncertain significance. Review status: criteria provided, multiple submitters, no conflicts (2 of 4 stars). 2 submissions from 2 submitters: Uncertain significance (2). Last evaluated 2023-08-14.

Conditions:
Early Myoclonic Encephalopathy. Identifiers: MedGen C0270855.

Allele frequency attached by ClinVar (database versions not stated): ExAC 0.00002; gnomAD exomes 0.00001 and 0.00003; TOPMed 0.00001; gnomAD 0.00001.
gnomAD v4.1: 21 of 1,614,002 alleles (0.0013%); highest among the groups gnomAD compares: Admixed American, 0.0083%; no homozygotes.

Submissions (2):

Ambry Genetics
Classification: Uncertain significance. Last evaluated: 2023-08-14. Review status: criteria provided, single submitter. Criteria: Ambry Variant Classification Scheme 2023. Collection method: clinical testing. Allele origin: germline.

Labcorp Genetics (formerly Invitae), Labcorp
Classification: Uncertain significance for Early Myoclonic Encephalopathy. Last evaluated: 2023-01-22. Review status: criteria provided, single submitter. Criteria: Invitae Variant Classification Sherloc (09022015). Collection method: clinical testing. Allele origin: germline.
Comment: This sequence change replaces glycine, which is neutral and non-polar, with arginine, which is basic and polar, at codon 1349 of the JMJD1C protein (p.Gly1349Arg). In summary, the available evidence is currently insufficient to determine the role of this variant in disease. Therefore, it has been classified as a Variant of Uncertain Significance. Advanced modeling of protein sequence and biophysical properties (such as structural, functional, and spatial information, amino acid conservation, physicochemical variation, residue mobility, and thermodynamic stability) performed at Invitae indicates that this missense variant is not expected to disrupt JMJD1C protein function. ClinVar contains an entry for this variant (Variation ID: 659420). This variant has not been reported in the literature in individuals affected with JMJD1C-related conditions. This variant is present in population databases (rs777175851, gnomAD 0.01%).